The following is an entry in ClinVar:

ClinVar aggregate classification (germline): Uncertain significance (1 of 4 stars; one submission).

gnomAD v4.1: 3 of 1,614,014 alleles (0.00019%); highest among the groups gnomAD compares: Non-Finnish European, 0.00025%; no homozygotes.

Submission:

Labcorp Genetics (formerly Invitae), Labcorp
Classification: Uncertain significance. Last evaluated: 2024-02-26. Review status: criteria provided, single submitter. Criteria: Invitae Variant Classification Sherloc (09022015). Collection method: clinical testing. Allele origin: germline.
Comment: This sequence change replaces leucine, which is neutral and non-polar, with valine, which is neutral and non-polar, at codon 2406 of the ITPR1 protein (p.Leu2406Val). This variant is not present in population databases (gnomAD no frequency). This variant has not been reported in the literature in individuals affected with ITPR1-related conditions. Advanced modeling of protein sequence and biophysical properties (such as structural, functional, and spatial information, amino acid conservation, physicochemical variation, residue mobility, and thermodynamic stability) performed at Invitae indicates that this missense variant is not expected to disrupt ITPR1 protein function with a negative predictive value of 95%. In summary, the available evidence is currently insufficient to determine the role of this variant in disease. Therefore, it has been classified as a Variant of Uncertain Significance.

NM_001378452.1(ITPR1):c.7405C>G (p.Leu2469Val)

Gene: ITPR1 (inositol 1,4,5-trisphosphate receptor type 1; plus strand). Cytogenetic location: 3p26.1.
Variant type: single nucleotide variant.
Coding change: c.7405C>G on transcript NM_001378452.1 (MANE Select); coding-DNA position 7405, C replaced by G.
Protein change: p.Leu2469Val; replaces leucine 2469 with valine.
Molecular consequence: missense variant.
Genome position (GRCh38, 1-based): chr3:4,811,397, C>G. VCF-style: chr3-4811397-C-G. GRCh37 (hg19) VCF-style: chr3-4853081-C-G.
Other names: c.7261C>G, p.Leu2421Val (NM_001099952.4); c.7360C>G, p.Leu2454Val (NM_001168272.2); c.7216C>G, p.Leu2406Val (NM_002222.7); short protein forms L2421V, L2469V, L2454V, L2406V.
Identifiers: ClinVar variation 3643395 (VCV003643395.2).
Genomic context (GRCh38, chr3:4,811,397, plus strand): 5'-ATCATCCTGACAGCAGTTCTGGCTCTGATCCTCGTTTACCTGTTCTCAATAGTGGGCTAT[C>G]TTTTCTTCAAGGATGACTTTATCTTGGAAGTAGATAGGCTGCCCAATGAAACAGCTGTTC-3'
Protein context (NP_001365381.1, residues 2459-2479): LVYLFSIVGY[Leu2469Val]FFKDDFILEV